The following is an entry in ClinVar:

ClinVar aggregate classification (germline): Likely pathogenic (1 of 4 stars; one submission).

Conditions:
CFTR-related disorder (CFTR-RD). Also called: CFTR-related disorders; CFTR-related condition. Identifiers: MedGen C5924204, MONDO:7770004.

Submission:

Natera, Inc.
Classification: Likely pathogenic for CFTR-related disorders. Last evaluated: 2025-12-31. Review status: criteria provided, single submitter. Criteria: Natera Variant Classification Schema (03/2026). Collection method: clinical testing. Allele origin: germline.
Comment: The c.2269dup variant in CFTR is a frameshift variant predicted to shift the reading frame beginning at codon 757 and leads to a stop codon 22 codons downstream. This variant is expected to result in nonsense mediated decay, truncation, or a dysfunctional protein product. This variant is rare in the general population with a frequency below the threshold expected for the associated phenotype(s). Given the available evidence, this variant is classified as Likely Pathogenic.

NM_000492.4(CFTR):c.2269dup (p.Thr757fs)

Gene: CFTR (CF transmembrane conductance regulator; plus strand). Cytogenetic location: 7q31.2.
Variant type: Duplication.
Coding change: c.2269dup on transcript NM_000492.4 (MANE Select); coding-DNA position 2269, one base duplicated (A; older notation c.2269dupA).
Protein change: p.Thr757fs; shifts the reading frame from threonine 757.
Molecular consequence: frameshift variant.
Genome position (GRCh38, 1-based): chr7:117,592,436, A duplicated. VCF-style (leftmost placement, unchanged base first): chr7-117592435-C-CA. GRCh37 (hg19) VCF-style: chr7-117232489-C-CA.
Other names: short protein forms T757fs.
Identifiers: ClinVar variation 4818498 (VCV004818498.1).